The following is an entry in ClinVar:

NM_001243177.4(ALDOA):c.1002G>A (p.Ala334=)

Genes: ALDOA (aldolase, fructose-bisphosphate A; plus strand), LOC112694756 (uncharaterized LOC112694756; plus strand). Cytogenetic location: 16p11.2.
Variant type: single nucleotide variant.
Coding change: c.1002G>A on transcript NM_001243177.4 (MANE Select); coding-DNA position 1002, G replaced by A.
Protein change: p.Ala334=; no amino-acid change (alanine 334 retained).
Molecular consequence: synonymous variant. On other transcripts: 3 prime UTR variant (3).
Genome position (GRCh38, 1-based): chr16:30,069,870, G>A. VCF-style: chr16-30069870-G-A. GRCh37 (hg19) VCF-style: chr16-30081191-G-A.
Other names: c.*1349G>A (NM_001365304.2, NM_001365305.2, NM_001365307.2); c.840G>A, p.Ala280= (NM_001127617.2, NM_184041.5, NM_184043.2).
Identifiers: ClinVar variation 382617 (VCV000382617.10), dbSNP rs532473202, ClinGen allele CA8001181.
Genomic context (GRCh38, chr16:30,069,870, plus strand): 5'-GCCTCACCCCTGCTCTACAGGGATCACCTTCCTGTCTGGAGGCCAGAGTGAGGAGGAGGC[G>A]TCCATCAACCTCAATGCCATTAACAAGTGCCCCCTGCTGAAGCCCTGGGCCCTGACCTTC-3'
Protein context (NP_001230106.1, residues 324-344): FLSGGQSEEE[Ala334=]SINLNAINKC

ClinVar aggregate classification (germline): Likely benign. Review status: criteria provided, multiple submitters, no conflicts (2 of 4 stars). 2 submissions from 2 submitters: Likely benign (2). Last evaluated 2026-01-25.

Conditions:
HNSHA due to aldolase A deficiency (GSD12). Also called: GLYCOGEN STORAGE DISEASE XII; GSD XII; RED CELL ALDOLASE DEFICIENCY; Glycogen storage disease due to aldolase A deficiency. Identifiers: Orphanet 57, MedGen C0272066, MONDO:0012747, OMIM 611881.

Allele frequency attached by ClinVar (database versions not stated): gnomAD 0.00005 and 0.00006; TOPMed 0.00007; 1000 Genomes Project 30x 0.00031; 1000 Genomes Project 0.00040.
gnomAD v4.1: 83 of 1,614,116 alleles (0.0051%); highest among the groups gnomAD compares: East Asian, 0.069%; no homozygotes.

Submissions (2):

Labcorp Genetics (formerly Invitae), Labcorp
Classification: Likely benign for HNSHA due to aldolase A deficiency. Last evaluated: 2026-01-25. Review status: criteria provided, single submitter. Criteria: Invitae Variant Classification Sherloc (09022015). Collection method: clinical testing. Allele origin: germline.

GeneDx
Classification: Likely benign. Last evaluated: 2016-09-07. Review status: criteria provided, single submitter. Criteria: GeneDx Variant Classification (06012015). Collection method: clinical testing. Allele origin: germline. Affected: yes.
Comment: This variant is considered likely benign or benign based on one or more of the following criteria: it is a conservative change, it occurs at a poorly conserved position in the protein, it is predicted to be benign by multiple in silico algorithms, and/or has population frequency not consistent with disease.